The following is an entry in ClinVar:

NM_021133.4(RNASEL):c.2077C>G (p.Gln693Glu)

Gene: RNASEL (ribonuclease L; minus strand). Cytogenetic location: 1q25.3.
Variant type: single nucleotide variant.
Coding change: c.2077C>G on transcript NM_021133.4 (MANE Select); coding-DNA position 2077, C replaced by G.
Protein change: p.Gln693Glu; replaces glutamine 693 with glutamic acid.
Molecular consequence: missense variant.
Genome position (GRCh38, 1-based): chr1:182,575,541, G>C on the plus strand (C>G on the coding strand, the complement: RNASEL is on the minus strand). VCF-style: chr1-182575541-G-C. GRCh37 (hg19) VCF-style: chr1-182544676-G-C.
Other names: short protein forms Q693E.
Identifiers: ClinVar variation 3892294 (VCV003892294.2).

ClinVar aggregate classification (germline): Uncertain significance. Review status: criteria provided, multiple submitters, no conflicts (2 of 4 stars). 2 submissions from 2 submitters: Uncertain significance (2). Last evaluated 2026-08-06.

Conditions:
Prostate cancer, hereditary, 1 (HPC1). Identifiers: Orphanet 1331, MedGen C4722327, MONDO:0011098, OMIM 601518.

Submissions (2):

OLLIN Analises Genomicas, OLLIN
Classification: Uncertain significance for Prostate cancer, hereditary, 1. Last evaluated: 2026-08-06. Review status: criteria provided, single submitter. Criteria: ACMG Guidelines 2015 PMID 25741868. Collection method: clinical testing. Allele origin: germline. Inheritance: Autosomal dominant inheritance.
Comment: This missense variant, located in exon 7 (of 7), has been reported in ClinVar (accession VCV003892294.1) and in gnomAD with an allele frequency of 0.0092%. However, to our knowledge, it has not been reported in the scientific literature. In silico analysis predicts that this variant has a tolerated effect. According to the currently available evidence, this variant has been classified as uncertain significance (BP4_M).

Department of Pathology and Laboratory Medicine, Sinai Health System
Classification: Uncertain significance for Prostate cancer, hereditary, 1. Last evaluated: 2022-05-24. Review status: criteria provided, single submitter. Criteria: ACMG Guidelines, 2015. Collection method: research. Allele origin: germline.